The following is an entry in ClinVar:

NM_000540.3(RYR1):c.13168G>C (p.Glu4390Gln)

Gene: RYR1 (ryanodine receptor 1; plus strand). Cytogenetic location: 19q13.2.
Variant type: single nucleotide variant.
Coding change: c.13168G>C on transcript NM_000540.3 (MANE Select); coding-DNA position 13168, G replaced by C.
Protein change: p.Glu4390Gln; replaces glutamic acid 4390 with glutamine.
Molecular consequence: missense variant.
Genome position (GRCh38, 1-based): chr19:38,565,502, G>C. VCF-style: chr19-38565502-G-C. GRCh37 (hg19) VCF-style: chr19-39056142-G-C.
Other names: c.13153G>C, p.Glu4385Gln (NM_001042723.2); short protein forms E4385Q, E4390Q.
Identifiers: ClinVar variation 1352926 (VCV001352926.5), dbSNP rs1413644550, ClinGen allele CA405673905.

ClinVar aggregate classification (germline): Uncertain significance. Review status: criteria provided, multiple submitters, no conflicts (2 of 4 stars). 2 submissions from 2 submitters: Uncertain significance (2). Last evaluated 2025-01-15.

Conditions:
RYR1-related disorder. Also called: RYR1-related condition; RYR1-related disorders. Identifiers: MedGen CN239331.
Malignant hyperthermia, susceptibility to, 1 (MHS1). Also called: RYR1-Related Malignant Hyperthermia Susceptibility; Malignant hyperthermia suceptibility 1; Anesthesia related hyperthermia; Malignant hyperpyrexia; Fulminating hyperpyrexia; Pharmacogenic myopathy. Identifiers: Orphanet 423, MedGen C2930980, MONDO:0007783, OMIM 145600.
Central core myopathy (CMYO1A). Also called: CONGENITAL MYOPATHY 1A, AUTOSOMAL DOMINANT, WITH SUSCEPTIBILITY TO MALIGNANT HYPERTHERMIA; Central core disease; Myopathy, central fibrillar. Identifiers: Orphanet 597, MedGen C5830701, MONDO:0007294, OMIM 117000.
Congenital multicore myopathy with external ophthalmoplegia (CMYO1B). Also called: Minicore myopathy with external ophthalmoplegia; MULTIMINICORE DISEASE WITH EXTERNAL OPHTHALMOPLEGIA; MULTICORE MYOPATHY; Congenital myopathy 1B, autosomal recessive; Minicore myopathy. Identifiers: Orphanet 598, Orphanet 98905, MedGen C1850674, MONDO:0009712, OMIM 255320, HP:0003789.
Congenital myopathy with fiber type disproportion. Also called: Congenital fiber-type disproportion; Congenital fiber-type disproportion myopathy. Identifiers: Orphanet 2020, MedGen C0546264, MONDO:0009711. Inheritance: all.
King Denborough syndrome (KDS). Identifiers: MedGen C1840365, MONDO:0020485, OMIM 619542.

Allele frequency attached by ClinVar (database versions not stated): gnomAD exomes 0.00003.
gnomAD v4.1: 92 of 1,504,678 alleles (0.0061%); highest among the groups gnomAD compares: Non-Finnish European, 0.0071%; no homozygotes.

Submissions (2):

Labcorp Genetics (formerly Invitae), Labcorp
Classification: Uncertain significance for RYR1-related disorder. Last evaluated: 2025-01-15. Review status: criteria provided, single submitter. Criteria: Invitae Variant Classification Sherloc (09022015). Collection method: clinical testing. Allele origin: germline.
Comment: This sequence change replaces glutamic acid, which is acidic and polar, with glutamine, which is neutral and polar, at codon 4390 of the RYR1 protein (p.Glu4390Gln). This variant is present in population databases (no rsID available, gnomAD 0.008%). This variant has not been reported in the literature in individuals affected with RYR1-related conditions. ClinVar contains an entry for this variant (Variation ID: 1352926). Invitae Evidence Modeling of protein sequence and biophysical properties (such as structural, functional, and spatial information, amino acid conservation, physicochemical variation, residue mobility, and thermodynamic stability) indicates that this missense variant is not expected to disrupt RYR1 protein function with a negative predictive value of 80%. In summary, the available evidence is currently insufficient to determine the role of this variant in disease. Therefore, it has been classified as a Variant of Uncertain Significance.

Fulgent Genetics
Classification: Uncertain significance for Central core myopathy; Malignant hyperthermia, susceptibility to, 1; Congenital myopathy 4A, autosomal dominant; Congenital multicore myopathy with external ophthalmoplegia; King Denborough syndrome. Last evaluated: 2021-08-16. Review status: criteria provided, single submitter. Criteria: ACMG Guidelines, 2015. Collection method: clinical testing. Allele origin: unknown.